The following is an entry in ClinVar:

ClinVar aggregate classification (germline): Uncertain significance. Review status: criteria provided, multiple submitters, no conflicts (2 of 4 stars). 2 submissions from 2 submitters: Uncertain significance (2). Last evaluated 2025-03-19.

Conditions:
Familial thoracic aortic aneurysm and aortic dissection (TAAD). Also called: Thoracic aortic aneurysms and dissections. Identifiers: Orphanet 91387, MedGen C4707243, MONDO:0019625.
Aortic aneurysm, familial thoracic 4 (AAT4). Also called: AORTIC ANEURYSM/AORTIC DISSECTION AND PATENT DUCTUS ARTERIOSUS. Identifiers: MedGen C1851504, MONDO:0007568, OMIM 132900.

Allele frequency attached by ClinVar (database versions not stated): TOPMed below 0.00001; ExAC 0.00001; gnomAD 0.00001.
gnomAD v4.1: 1 of 1,613,310 alleles (0.000062%); highest among the groups gnomAD compares: East Asian, 0.0022%; no homozygotes.

Submissions (2):

Labcorp Genetics (formerly Invitae), Labcorp
Classification: Uncertain significance for Aortic aneurysm, familial thoracic 4. Last evaluated: 2025-03-19. Review status: criteria provided, single submitter. Criteria: Invitae Variant Classification Sherloc (09022015). Collection method: clinical testing. Allele origin: germline.
Comment: This sequence change replaces serine, which is neutral and polar, with asparagine, which is neutral and polar, at codon 1792 of the MYH11 protein (p.Ser1792Asn). The frequency data for this variant in the population databases is considered unreliable, as metrics indicate poor data quality at this position in the gnomAD database. This missense change has been observed in individual(s) with thoracic aortic aneurysm and dissection (PMID: 36517271). This variant is also known as c.5354G>A:p.Ser1785Asn. ClinVar contains an entry for this variant (Variation ID: 3222391). Invitae Evidence Modeling of protein sequence and biophysical properties (such as structural, functional, and spatial information, amino acid conservation, physicochemical variation, residue mobility, and thermodynamic stability) indicates that this missense variant is not expected to disrupt MYH11 protein function with a negative predictive value of 95%. In summary, the available evidence is currently insufficient to determine the role of this variant in disease. Therefore, it has been classified as a Variant of Uncertain Significance.

Ambry Genetics
Classification: Uncertain significance for Familial thoracic aortic aneurysm and aortic dissection. Last evaluated: 2023-11-30. Review status: criteria provided, single submitter. Criteria: Ambry Variant Classification Scheme 2023. Collection method: clinical testing. Allele origin: germline.
Comment: The p.S1785N variant (also known as c.5354G>A), located in coding exon 37 of the MYH11 gene, results from a G to A substitution at nucleotide position 5354. The serine at codon 1785 is replaced by asparagine, an amino acid with highly similar properties. This amino acid position is conserved. In addition, this alteration is predicted to be tolerated by in silico analysis. Since supporting evidence is limited at this time, the clinical significance of this alteration remains unclear.

Literature cited by the submitters: PubMed 36517271 (cited by Labcorp Genetics (formerly Invitae), Labcorp).

NM_002474.3(MYH11):c.5354G>A (p.Ser1785Asn)

Genes: MYH11 (myosin heavy chain 11; minus strand), NDE1 (nudE neurodevelopment protein 1; plus strand). Cytogenetic location: 16p13.11.
Variant type: single nucleotide variant.
Coding change: c.5354G>A on transcript NM_002474.3 (MANE Select); coding-DNA position 5354, G replaced by A.
Protein change: p.Ser1785Asn; replaces serine 1785 with asparagine.
Molecular consequence: missense variant. On other transcripts: intron variant (2).
Genome position (GRCh38, 1-based): chr16:15,717,290, C>T on the plus strand (G>A on the coding strand, the complement: MYH11 is on the minus strand). VCF-style: chr16-15717290-C-T. GRCh37 (hg19) VCF-style: chr16-15811147-C-T.
Other names: c.5375G>A, p.Ser1792Asn (NM_001040113.2, NM_001040114.2); c.5354G>A, p.Ser1785Asn (NM_022844.3); c.948-6901C>T (NM_001143979.2, NM_017668.3); short protein forms S1785N, S1792N.
Identifiers: ClinVar variation 3222391 (VCV003222391.2), dbSNP rs746310860, ClinGen allele CA7921295.